The following is an entry in ClinVar:

ClinVar aggregate classification (germline): Uncertain significance. Review status: criteria provided, multiple submitters, no conflicts (2 of 4 stars). 3 submissions from 3 submitters: Uncertain significance (3). Last evaluated 2025-12-20.

Conditions:
UGT1A1-related disorder. Also called: UGT1A1-related condition; UGT1A1-related disorders.

Allele frequency attached by ClinVar (database versions not stated): gnomAD exomes below 0.00001 and 0.00001; TOPMed below 0.00001.
gnomAD v4.1: 14 of 1,614,198 alleles (0.00087%); highest among the groups gnomAD compares: Non-Finnish European, 0.0011%; no homozygotes.

Submissions (3):

PreventionGenetics, part of Exact Sciences
Classification: Uncertain significance for UGT1A1-related condition. Last evaluated: 2025-12-20. Review status: criteria provided, single submitter. Criteria: ACMG Guidelines, 2015. Collection method: clinical testing. Allele origin: germline.
Comment: The UGT1A1 c.131T>A variant is predicted to result in the amino acid substitution p.Leu44His. To our knowledge, this variant has not been reported in the literature. This variant is reported in 0.00088% of alleles in individuals of European (Non-Finnish) descent in gnomAD. At this time, the clinical significance of this variant is uncertain due to the absence of conclusive functional and genetic evidence.

Revvity Omics, Revvity
Classification: Uncertain significance. Last evaluated: 2023-06-12. Review status: criteria provided, single submitter. Criteria: ACMG Guidelines, 2015. Collection method: clinical testing. Allele origin: germline.

ARUP Laboratories, Molecular Genetics and Genomics, ARUP Laboratories
Classification: Uncertain significance. Last evaluated: 2021-02-05. Review status: criteria provided, single submitter. Criteria: ARUP Molecular Germline Variant Investigation Process 2021. Collection method: clinical testing. Allele origin: germline.

NM_000463.3(UGT1A1):c.131T>A (p.Leu44His)

Genes: UGT1A6 (UDP glucuronosyltransferase family 1 member A6; plus strand), UGT1A7 (UDP glucuronosyltransferase family 1 member A7; plus strand), UGT1A8 (UDP glucuronosyltransferase family 1 member A8; plus strand), UGT1A9 (UDP glucuronosyltransferase family 1 member A9; plus strand), UGT1A (UDP glucuronosyltransferase family 1 member A complex locus; plus strand) and 5 more. Cytogenetic location: 2q37.1.
Variant type: single nucleotide variant.
Coding change: c.131T>A on transcript NM_000463.3 (MANE Select); coding-DNA position 131, T replaced by A.
Protein change: p.Leu44His; replaces leucine 44 with histidine.
Molecular consequence: missense variant. On other transcripts: intron variant (9).
Genome position (GRCh38, 1-based): chr2:233,760,418, T>A. VCF-style: chr2-233760418-T-A. GRCh37 (hg19) VCF-style: chr2-234669064-T-A.
Other names: c.856-6616T>A (NM_019076.5, NM_019075.4, NM_021027.3 and 1 more transcripts); c.61-6616T>A (NM_205862.3); c.862-6616T>A (NM_001072.4); c.868-6616T>A (NM_019078.2, NM_007120.3, NM_019093.4); short protein forms L44H.
Identifiers: ClinVar variation 1330862 (VCV001330862.10), dbSNP rs1178608845, ClinGen allele CA351065795.